The following is an entry in ClinVar:

ClinVar aggregate classification (germline): Uncertain significance (1 of 4 stars; one submission).

Conditions:
Dilated cardiomyopathy 1G (CMD1G). Identifiers: Orphanet 154, MedGen C1858763, MONDO:0011400, OMIM 604145.
Autosomal recessive limb-girdle muscular dystrophy type 2J (LGMDR10). Also called: Limb-girdle muscular dystrophy, type 2J; MUSCULAR DYSTROPHY, LIMB-GIRDLE, AUTOSOMAL RECESSIVE 10. Identifiers: Orphanet 140922, MedGen C1837342, MONDO:0012127, OMIM 608807.

Allele frequency attached by ClinVar (database versions not stated): TOPMed below 0.00001; gnomAD 0.00001.
gnomAD v4.1: 3 of 1,613,456 alleles (0.00019%); highest among the groups gnomAD compares: Non-Finnish European, 0.00025%; no homozygotes.

Submission:

Labcorp Genetics (formerly Invitae), Labcorp
Classification: Uncertain significance for Dilated cardiomyopathy 1G; Autosomal recessive limb-girdle muscular dystrophy type 2J. Last evaluated: 2023-09-11. Review status: criteria provided, single submitter. Criteria: Invitae Variant Classification Sherloc (09022015). Collection method: clinical testing. Allele origin: germline.
Comment: In summary, the available evidence is currently insufficient to determine the role of this variant in disease. Therefore, it has been classified as a Variant of Uncertain Significance. This variant is located in the A band of TTN (PMID: 25589632). Variants in this region may be relevant for cardiac or neuromuscular disorders (PMID: 25589632, 23975875). Experimental studies and prediction algorithms are not available or were not evaluated, and the functional significance of this variant is currently unknown. This variant has not been reported in the literature in individuals affected with TTN-related conditions. This variant is not present in population databases (gnomAD no frequency). This sequence change replaces cysteine, which is neutral and slightly polar, with arginine, which is basic and polar, at codon 31725 of the TTN protein (p.Cys31725Arg).

Literature cited by the submitters: PubMed 25589632; PubMed 23975875.

NM_001267550.2(TTN):c.95173T>C (p.Cys31725Arg)

Genes: TTN (titin; minus strand), TTN-AS1 (TTN antisense RNA 1; plus strand). Cytogenetic location: 2q31.2.
Variant type: single nucleotide variant.
Coding change: c.95173T>C on transcript NM_001267550.2 (MANE Select); coding-DNA position 95173, T replaced by C.
Protein change: p.Cys31725Arg; replaces cysteine 31725 with arginine.
Molecular consequence: missense variant.
Genome position (GRCh38, 1-based): chr2:178,546,063, A>G on the plus strand (T>C on the coding strand, the complement: TTN is on the minus strand). VCF-style: chr2-178546063-A-G. GRCh37 (hg19) VCF-style: chr2-179410790-A-G.
Other names: c.90250T>C, p.Cys30084Arg (NM_001256850.1); c.67978T>C, p.Cys22660Arg (NM_003319.4); c.87469T>C, p.Cys29157Arg (NM_133378.4); c.68353T>C, p.Cys22785Arg (NM_133432.3); c.68554T>C, p.Cys22852Arg (NM_133437.4); short protein forms C22785R, C22852R, C29157R, C31725R, C22660R, C30084R.
Identifiers: ClinVar variation 2939650 (VCV002939650.2), dbSNP rs1295856798, ClinGen allele CA349465916.
Genomic context (GRCh38, chr2:178,546,063, plus strand): 5'-CGATGTAGTGAGTGATTTCTGCTCCTCCGTCTTCCTGCGGAAGGCTCCAGGCTAAAGTGC[A>G]CTTCTCCTGTGTTACTCTGCTGACGGTGAGCTTTCCACATGGGCCAGGGGAATCTGAAAC-3'
Protein context (NP_001254479.2, residues 31715-31735): LTVSRVTQEK[Cys31725Arg]TLAWSLPQED